The following is an entry in ClinVar:

ClinVar aggregate classification (germline): Uncertain significance (1 of 4 stars; one submission).

Conditions:
Left ventricular noncompaction 1 (LVNC1). Also called: LEFT VENTRICULAR NONCOMPACTION 1 WITH OR WITHOUT CONGENITAL HEART DEFECTS. Identifiers: Orphanet 54260, MedGen C1858725, MONDO:0011403, OMIM 604169.

Allele frequency attached by ClinVar (database versions not stated): gnomAD exomes below 0.00001 and 0.00001; TOPMed 0.00001; ExAC 0.00002; gnomAD 0.00002.
gnomAD v4.1: 4 of 1,613,958 alleles (0.00025%); highest among the groups gnomAD compares: African/African-American, 0.0053%; no homozygotes.

Submission:

Labcorp Genetics (formerly Invitae), Labcorp
Classification: Uncertain significance for Left ventricular noncompaction 1. Last evaluated: 2024-10-09. Review status: criteria provided, single submitter. Criteria: Invitae Variant Classification Sherloc (09022015). Collection method: clinical testing. Allele origin: germline.
Comment: This sequence change replaces valine, which is neutral and non-polar, with phenylalanine, which is neutral and non-polar, at codon 58 of the DTNA protein (p.Val58Phe). This variant is present in population databases (rs769176953, gnomAD 0.01%). This variant has not been reported in the literature in individuals affected with DTNA-related conditions. ClinVar contains an entry for this variant (Variation ID: 1399878). Invitae Evidence Modeling of protein sequence and biophysical properties (such as structural, functional, and spatial information, amino acid conservation, physicochemical variation, residue mobility, and thermodynamic stability) indicates that this missense variant is not expected to disrupt DTNA protein function with a negative predictive value of 80%. In summary, the available evidence is currently insufficient to determine the role of this variant in disease. Therefore, it has been classified as a Variant of Uncertain Significance.

NM_001386795.1(DTNA):c.172G>T (p.Val58Phe)

Gene: DTNA (dystrobrevin alpha; plus strand). Cytogenetic location: 18q12.1.
Variant type: single nucleotide variant.
Coding change: c.172G>T on transcript NM_001386795.1 (MANE Select); coding-DNA position 172, G replaced by T.
Protein change: p.Val58Phe; replaces valine 58 with phenylalanine.
Molecular consequence: missense variant.
Genome position (GRCh38, 1-based): chr18:34,794,060, G>T. VCF-style: chr18-34794060-G-T. GRCh37 (hg19) VCF-style: chr18-32374024-G-T.
Other names: c.172G>T, p.Val58Phe (NM_001128175.2, NM_001198938.2, NM_001198939.2 and 35 more transcripts); short protein forms V58F.
Identifiers: ClinVar variation 1399878 (VCV001399878.6), dbSNP rs769176953, ClinGen allele CA8935308.